The following is an entry in ClinVar:

ClinVar aggregate classification (germline): Uncertain significance. Review status: criteria provided, multiple submitters, no conflicts (2 of 4 stars). 2 submissions from 2 submitters: Uncertain significance (2). Last evaluated 2024-12-12.

Conditions:
Hereditary cancer-predisposing syndrome. Also called: Hereditary neoplastic syndrome; Neoplastic Syndromes, Hereditary; Hereditary Cancer Syndrome; Tumor predisposition. Identifiers: Orphanet 140162, MedGen C0027672, MeSH D009386, MONDO:0015356.
Familial adenomatous polyposis 1 (FAP1). Also called: POLYPOSIS, ADENOMATOUS INTESTINAL; FAMILIAL ADENOMATOUS POLYPOSIS 1, ATTENUATED. Identifiers: MedGen C2713442, MONDO:0021056, OMIM 175100. Disease mechanism: loss of function.

Submissions (2):

Ambry Genetics
Classification: Uncertain significance for Hereditary cancer-predisposing syndrome. Last evaluated: 2024-12-12. Review status: criteria provided, single submitter. Criteria: Ambry Variant Classification Scheme 2023. Collection method: clinical testing. Allele origin: germline.
Comment: The p.S1937T variant (also known as c.5809T>A), located in coding exon 15 of the APC gene, results from a T to A substitution at nucleotide position 5809. The serine at codon 1937 is replaced by threonine, an amino acid with similar properties. This amino acid position is conserved. In addition, in silico predictors for this gene do not accurately predict pathogenicity. Based on the available evidence, the clinical significance of this variant remains unclear.

Labcorp Genetics (formerly Invitae), Labcorp
Classification: Uncertain significance for Familial adenomatous polyposis 1. Last evaluated: 2020-11-26. Review status: criteria provided, single submitter. Criteria: Invitae Variant Classification Sherloc (09022015). Collection method: clinical testing. Allele origin: germline.
Comment: In summary, the available evidence is currently insufficient to determine the role of this variant in disease. Therefore, it has been classified as a Variant of Uncertain Significance. Algorithms developed to predict the effect of missense changes on protein structure and function are either unavailable or do not agree on the potential impact of this missense change (SIFT: "Deleterious"; PolyPhen-2: "Benign"; Align-GVGD: "Class C0"). This variant has not been reported in the literature in individuals with APC-related conditions. This variant is not present in population databases (ExAC no frequency). This sequence change replaces serine with threonine at codon 1937 of the APC protein (p.Ser1937Thr). The serine residue is highly conserved and there is a small physicochemical difference between serine and threonine.

NM_000038.6(APC):c.5809T>A (p.Ser1937Thr)

Gene: APC (APC regulator of Wnt signaling pathway; plus strand). Cytogenetic location: 5q22.2.
Variant type: single nucleotide variant.
Coding change: c.5809T>A on transcript NM_000038.6 (MANE Select); coding-DNA position 5809, T replaced by A.
Protein change: p.Ser1937Thr; replaces serine 1937 with threonine.
Molecular consequence: missense variant.
Genome position (GRCh38, 1-based): chr5:112,841,403, T>A. VCF-style: chr5-112841403-T-A. GRCh37 (hg19) VCF-style: chr5-112177100-T-A.
Other names: c.5809T>A, p.Ser1937Thr (NM_001127510.3, NM_001354895.2); c.5755T>A, p.Ser1919Thr (NM_001127511.3); c.5863T>A, p.Ser1955Thr (NM_001354896.2); c.5839T>A, p.Ser1947Thr (NM_001354897.2); c.5734T>A, p.Ser1912Thr (NM_001354898.2); c.5725T>A, p.Ser1909Thr (NM_001354899.2); c.5686T>A, p.Ser1896Thr (NM_001354900.2); c.5632T>A, p.Ser1878Thr (NM_001354901.2); and 6 more; short protein forms S1777T, S1811T, S1878T, S1896T, S1909T, S1919T, S1836T, S1846T.
Identifiers: ClinVar variation 1489099 (VCV001489099.9), dbSNP rs2149949785, ClinGen allele CA16034038.